The following is an entry in ClinVar:

ClinVar aggregate classification (germline): Uncertain significance (1 of 4 stars; one submission).

Submission:

GeneDx
Classification: Uncertain significance. Last evaluated: 2024-12-19. Review status: criteria provided, single submitter. Criteria: GeneDx Variant Classification Process June 2021. Collection method: clinical testing. Allele origin: germline. Affected: yes.
Comment: Not observed at significant frequency in large population cohorts (gnomAD); In silico analysis supports that this missense variant has a deleterious effect on protein structure/function; Has not been previously published as pathogenic or benign to our knowledge

NM_020795.4(NLGN2):c.1783G>A (p.Ala595Thr)

Gene: NLGN2 (neuroligin 2; plus strand). Cytogenetic location: 17p13.1.
Variant type: single nucleotide variant.
Coding change: c.1783G>A on transcript NM_020795.4 (MANE Select); coding-DNA position 1783, G replaced by A.
Protein change: p.Ala595Thr; replaces alanine 595 with threonine.
Molecular consequence: missense variant.
Genome position (GRCh38, 1-based): chr17:7,417,074, G>A. VCF-style: chr17-7417074-G-A. GRCh37 (hg19) VCF-style: chr17-7320393-G-A.
Other names: short protein forms A595T.
Identifiers: ClinVar variation 3907887 (VCV003907887.1).